The following is an entry in ClinVar:

ClinVar aggregate classification (germline): Uncertain significance (1 of 4 stars; one submission).

Submission:

Labcorp Genetics (formerly Invitae), Labcorp
Classification: Uncertain significance. Last evaluated: 2026-01-27. Review status: criteria provided, single submitter. Criteria: Invitae Variant Classification Sherloc (09022015). Collection method: clinical testing. Allele origin: germline.
Comment: This sequence change replaces isoleucine, which is neutral and non-polar, with valine, which is neutral and non-polar, at codon 1080 of the CACNA1D protein (p.Ile1080Val). This variant is present in population databases (rs775883474, gnomAD 0.006%). This variant has not been reported in the literature in individuals affected with CACNA1D-related conditions. Invitae Evidence Modeling of protein sequence and biophysical properties (such as structural, functional, and spatial information, amino acid conservation, physicochemical variation, residue mobility, and thermodynamic stability) indicates that this missense variant is not expected to disrupt CACNA1D protein function with a negative predictive value of 80%. In summary, the available evidence is currently insufficient to determine the role of this variant in disease. Therefore, it has been classified as a Variant of Uncertain Significance.

NM_001128840.3(CACNA1D):c.3178A>G (p.Ile1060Val)

Gene: CACNA1D (calcium voltage-gated channel subunit alpha1 D; plus strand). Cytogenetic location: 3p21.1.
Variant type: single nucleotide variant.
Coding change: c.3178A>G on transcript NM_001128840.3 (MANE Select); coding-DNA position 3178, A replaced by G.
Protein change: p.Ile1060Val; replaces isoleucine 1060 with valine.
Molecular consequence: missense variant.
Genome position (GRCh38, 1-based): chr3:53,747,312, A>G. VCF-style: chr3-53747312-A-G. GRCh37 (hg19) VCF-style: chr3-53781339-A-G.
Other names: c.3238A>G, p.Ile1080Val (NM_000720.4); c.3178A>G, p.Ile1060Val (NM_001128839.3); short protein forms I1060V, I1080V.
Identifiers: ClinVar variation 4755297 (VCV004755297.1).